The following is an entry in ClinVar:

NM_000535.7(PMS2):c.2131A>T (p.Met711Leu)

Gene: PMS2 (PMS1 homolog 2, mismatch repair system component; minus strand). Cytogenetic location: 7p22.1.
Variant type: single nucleotide variant.
Coding change: c.2131A>T on transcript NM_000535.7 (MANE Select); coding-DNA position 2131, A replaced by T.
Protein change: p.Met711Leu; replaces methionine 711 with leucine.
Molecular consequence: missense variant. On other transcripts: non-coding transcript variant (1), intron variant (4).
Genome position (GRCh38, 1-based): chr7:5,982,867, T>A on the plus strand (A>T on the coding strand, the complement: PMS2 is on the minus strand). VCF-style: chr7-5982867-T-A. GRCh37 (hg19) VCF-style: chr7-6022498-T-A.
Other names: c.1726A>T, p.Met576Leu (NM_001322003.2, NM_001322004.2, NM_001322005.2 and 14 more transcripts); c.1975A>T, p.Met659Leu (NM_001322006.2, NM_001406870.1); c.1813A>T, p.Met605Leu (NM_001322007.2, NM_001322008.2, NM_001406876.1 and 1 more transcripts); c.1570A>T, p.Met524Leu (NM_001322010.2, NM_001406906.1, NM_001406907.1); c.1198A>T, p.Met400Leu (NM_001322011.2, NM_001322012.2); c.1558A>T, p.Met520Leu (NM_001322013.2, NM_001406909.1); c.2131A>T, p.Met711Leu (NM_001322014.2, NM_001406871.1); c.1822A>T, p.Met608Leu (NM_001322015.2, NM_001406875.1, NM_001406877.1 and 5 more transcripts); and 16 more; short protein forms M540L, M556L, M576L, M711L, M719L, M310L, M400L, M454L.
Identifiers: ClinVar variation 3421525 (VCV003421525.3).

ClinVar aggregate classification (germline): Uncertain significance. Review status: criteria provided, multiple submitters, no conflicts (2 of 4 stars). 2 submissions from 2 submitters: Uncertain significance (2). Last evaluated 2024-10-19.

Conditions:
Hereditary nonpolyposis colorectal neoplasms. Identifiers: MedGen C0009405, MeSH D003123.
Hereditary cancer-predisposing syndrome. Also called: Neoplastic Syndromes, Hereditary; Tumor predisposition; Hereditary Cancer Syndrome; Hereditary neoplastic syndrome. Identifiers: Orphanet 140162, MedGen C0027672, MeSH D009386, MONDO:0015356.

Submissions (2):

Ambry Genetics
Classification: Uncertain significance for Hereditary cancer-predisposing syndrome. Last evaluated: 2024-10-19. Review status: criteria provided, single submitter. Criteria: Ambry Variant Classification Scheme 2023. Collection method: clinical testing. Allele origin: germline.
Comment: The p.M711L variant (also known as c.2131A>T), located in coding exon 12 of the PMS2 gene, results from an A to T substitution at nucleotide position 2131. The methionine at codon 711 is replaced by leucine, an amino acid with highly similar properties. This amino acid position is conserved. In addition, the in silico prediction for this alteration is inconclusive. Based on the available evidence, the clinical significance of this variant remains unclear.

Labcorp Genetics (formerly Invitae), Labcorp
Classification: Uncertain significance for Hereditary nonpolyposis colorectal neoplasms. Last evaluated: 2024-06-06. Review status: criteria provided, single submitter. Criteria: Invitae Variant Classification Sherloc (09022015). Collection method: clinical testing. Allele origin: germline.
Comment: This sequence change replaces methionine, which is neutral and non-polar, with leucine, which is neutral and non-polar, at codon 711 of the PMS2 protein (p.Met711Leu). The frequency data for this variant in the population databases (gnomAD) is considered unreliable due to the presence of homologous sequence, such as pseudogenes or paralogs, in the genome. This variant has not been reported in the literature in individuals affected with PMS2-related conditions. Advanced modeling of protein sequence and biophysical properties (such as structural, functional, and spatial information, amino acid conservation, physicochemical variation, residue mobility, and thermodynamic stability) has been performed at Invitae for this missense variant, however the output from this modeling did not meet the statistical confidence thresholds required to predict the impact of this variant on PMS2 protein function. In summary, the available evidence is currently insufficient to determine the role of this variant in disease. Therefore, it has been classified as a Variant of Uncertain Significance.